The following is an entry in ClinVar:

ClinVar aggregate classification (germline): Uncertain significance (1 of 4 stars; one submission).

gnomAD v4.1: 73 of 1,528,190 alleles (0.0048%); highest among the groups gnomAD compares: Non-Finnish European, 0.0063%; no homozygotes.

Submission:

Women's Health and Genetics/Laboratory Corporation of America, LabCorp
Classification: Uncertain significance. Last evaluated: 2026-06-12. Review status: criteria provided, single submitter. Criteria: LabCorp Variant Classification Summary - May 2015. Collection method: clinical testing. Allele origin: germline.
Comment: Variant summary: HECW2 c.2093A>G (p.Gln698Arg) results in a conservative amino acid change in the encoded protein sequence. Algorithms developed to predict the effect of missense changes on protein structure and function all suggest that this variant is likely to be tolerated. The variant allele was found at a frequency of 2.1e-05 in 186688 control chromosomes. The available data on variant occurrences in the general population are insufficient to allow any conclusion about variant significance. To our knowledge, no occurrence of c.2093A>G in individuals affected with HECW2-related conditions and no experimental evidence demonstrating its impact on protein function have been reported. No submitters have cited clinical-significance assessments for this variant to ClinVar. Based on the evidence outlined above, the variant was classified as uncertain significance.

NM_001348768.2(HECW2):c.2093A>G (p.Gln698Arg)

Gene: HECW2 (HECT, C2 and WW domain containing E3 ubiquitin protein ligase 2; minus strand). Cytogenetic location: 2q32.3.
Variant type: single nucleotide variant.
Coding change: c.2093A>G on transcript NM_001348768.2 (MANE Select); coding-DNA position 2093, A replaced by G.
Protein change: p.Gln698Arg; replaces glutamine 698 with arginine.
Molecular consequence: missense variant.
Genome position (GRCh38, 1-based): chr2:196,318,797, T>C on the plus strand (A>G on the coding strand, the complement: HECW2 is on the minus strand). VCF-style: chr2-196318797-T-C. GRCh37 (hg19) VCF-style: chr2-197183521-T-C.
Other names: c.1025A>G, p.Gln342Arg (NM_001304840.3); c.2093A>G, p.Gln698Arg (NM_020760.4); short protein forms Q342R, Q698R.
Identifiers: ClinVar variation 4887270 (VCV004887270.1).